The following is an entry in ClinVar:

ClinVar aggregate classification (germline): Uncertain significance (1 of 4 stars; one submission).

Submission:

Labcorp Genetics (formerly Invitae), Labcorp
Classification: Uncertain significance. Last evaluated: 2024-03-26. Review status: criteria provided, single submitter. Criteria: Invitae Variant Classification Sherloc (09022015). Collection method: clinical testing. Allele origin: germline.
Comment: This sequence change replaces lysine, which is basic and polar, with arginine, which is basic and polar, at codon 347 of the MBD4 protein (p.Lys347Arg). This variant is not present in population databases (gnomAD no frequency). This variant has not been reported in the literature in individuals affected with MBD4-related conditions. An algorithm developed to predict the effect of missense changes on protein structure and function (PolyPhen-2) suggests that this variant is likely to be tolerated. In summary, the available evidence is currently insufficient to determine the role of this variant in disease. Therefore, it has been classified as a Variant of Uncertain Significance.

NM_001276270.2(MBD4):c.1040A>G (p.Lys347Arg)

Gene: MBD4 (methyl-CpG binding domain 4, DNA glycosylase; minus strand). Cytogenetic location: 3q21.3.
Variant type: single nucleotide variant.
Coding change: c.1040A>G on transcript NM_001276270.2 (MANE Select); coding-DNA position 1040, A replaced by G.
Protein change: p.Lys347Arg; replaces lysine 347 with arginine.
Molecular consequence: missense variant. On other transcripts: intron variant (1).
Genome position (GRCh38, 1-based): chr3:129,436,604, T>C on the plus strand (A>G on the coding strand, the complement: MBD4 is on the minus strand). VCF-style: chr3-129436604-T-C. GRCh37 (hg19) VCF-style: chr3-129155447-T-C.
Other names: c.1040A>G, p.Lys347Arg (NM_001276271.2, NM_001276272.2, NM_003925.3); c.247+1204A>G (NM_001276273.2); short protein forms K347R.
Identifiers: ClinVar variation 3690542 (VCV003690542.2).